The following is an entry in ClinVar:

ClinVar aggregate classification (germline): Uncertain significance. Review status: criteria provided, multiple submitters, no conflicts (2 of 4 stars). 4 submissions from 3 submitters: Uncertain significance (4). Last evaluated 2023-02-08.

Conditions:
Dilated cardiomyopathy 1L (CMD1L). Identifiers: Orphanet 154, MedGen C1847667, MONDO:0011702, OMIM 606685.
Autosomal recessive limb-girdle muscular dystrophy type 2F (LGMDR6). Also called: Muscular dystrophy limb-girdle with delta-sarcoglyan deficiency; MUSCULAR DYSTROPHY, LIMB-GIRDLE, AUTOSOMAL RECESSIVE 6. Identifiers: Orphanet 219, MedGen C1832525, MONDO:0011028, OMIM 601287. Disease mechanism: Affects gamma-sarcoglycan and also disrupts the integrity of the entire sarcoglycan complex..

Allele frequency attached by ClinVar (database versions not stated): TOPMed 0.00001.
gnomAD v4.1: 3 of 1,611,784 alleles (0.00019%); highest among the groups gnomAD compares: Non-Finnish European, 0.00025%; no homozygotes.

Submissions (4):

Genome-Nilou Lab
Classification: Uncertain significance for Autosomal recessive limb-girdle muscular dystrophy type 2F. Last evaluated: 2023-02-08. Review status: criteria provided, single submitter. Criteria: ACMG Guidelines, 2015. Collection method: clinical testing. Allele origin: germline.

Genome-Nilou Lab
Classification: Uncertain significance for Dilated cardiomyopathy 1L. Last evaluated: 2023-02-08. Review status: criteria provided, single submitter. Criteria: ACMG Guidelines, 2015. Collection method: clinical testing. Allele origin: germline.

Labcorp Genetics (formerly Invitae), Labcorp
Classification: Uncertain significance for Autosomal recessive limb-girdle muscular dystrophy type 2F. Last evaluated: 2022-03-23. Review status: criteria provided, single submitter. Criteria: Invitae Variant Classification Sherloc (09022015). Collection method: clinical testing. Allele origin: germline.
Comment: This sequence change replaces lysine, which is basic and polar, with glutamic acid, which is acidic and polar, at codon 206 of the SGCD protein (p.Lys206Glu). This variant is not present in population databases (gnomAD no frequency). This variant has not been reported in the literature in individuals affected with SGCD-related conditions. ClinVar contains an entry for this variant (Variation ID: 1006947). Algorithms developed to predict the effect of missense changes on protein structure and function are either unavailable or do not agree on the potential impact of this missense change (SIFT: "Deleterious"; PolyPhen-2: "Benign"; Align-GVGD: "Class C0"). In summary, the available evidence is currently insufficient to determine the role of this variant in disease. Therefore, it has been classified as a Variant of Uncertain Significance.

Fulgent Genetics
Classification: Uncertain significance for Autosomal recessive limb-girdle muscular dystrophy type 2F; Dilated cardiomyopathy 1L. Last evaluated: 2021-12-13. Review status: criteria provided, single submitter. Criteria: ACMG Guidelines, 2015. Collection method: clinical testing. Allele origin: unknown.

NM_000337.6(SGCD):c.616A>G (p.Lys206Glu)

Gene: SGCD (sarcoglycan delta; plus strand). Cytogenetic location: 5q33.3.
Variant type: single nucleotide variant.
Coding change: c.616A>G on transcript NM_000337.6 (MANE Select); coding-DNA position 616, A replaced by G.
Protein change: p.Lys206Glu; replaces lysine 206 with glutamic acid.
Molecular consequence: missense variant.
Genome position (GRCh38, 1-based): chr5:156,757,621, A>G. VCF-style: chr5-156757621-A-G. GRCh37 (hg19) VCF-style: chr5-156184632-A-G.
Other names: c.613A>G, p.Lys205Glu (NM_001128209.2); c.616A>G, p.Lys206Glu (NM_172244.3); short protein forms K205E, K206E.
Identifiers: ClinVar variation 1006947 (VCV001006947.7), dbSNP rs1327580871, ClinGen allele CA362008408.